The following is an entry in ClinVar:

ClinVar aggregate classification (germline): Likely pathogenic. Review status: criteria provided, multiple submitters, no conflicts (2 of 4 stars). 2 submissions from 2 submitters: Likely pathogenic (2). Last evaluated 2026-01-26.

Conditions:
Werner syndrome (WRN). Identifiers: Orphanet 902, MedGen C0043119, MONDO:0010196, OMIM 277700.

Allele frequency attached by ClinVar (database versions not stated): gnomAD 0.00003; 1000 Genomes Project 0.00040; 1000 Genomes Project 30x 0.00047.
gnomAD v4.1: 6 of 152,300 alleles (0.0039%); highest among the groups gnomAD compares: East Asian, 0.097%; no homozygotes.

Submissions (2):

Medical and Scientific Branch, Hong Kong Genome Institute
Classification: Likely pathogenic for Werner syndrome. Last evaluated: 2026-01-26. Review status: criteria provided, single submitter. Criteria: ACMG Guidelines, 2015. Collection method: clinical testing. Allele origin: unknown. Affected: yes.

Labcorp Genetics (formerly Invitae), Labcorp
Classification: Likely pathogenic for Werner syndrome. Last evaluated: 2026-01-13. Review status: criteria provided, single submitter. Criteria: Invitae Variant Classification Sherloc (09022015). Collection method: clinical testing. Allele origin: germline.
Comment: This sequence change falls in intron 7 of the WRN gene. It does not directly change the encoded amino acid sequence of the WRN protein. RNA analysis indicates that this variant induces altered splicing and may result in an absent or altered protein product. This variant is present in population databases (rs191078968, gnomAD 0.06%). This variant has not been reported in the literature in individuals affected with WRN-related conditions. ClinVar contains an entry for this variant (Variation ID: 2081507). Studies have shown that this variant results in activation of a cryptic splice site, and produces a non-functional protein and/or introduces a premature termination codon (internal data). In summary, the currently available evidence indicates that the variant is pathogenic, but additional data are needed to prove that conclusively. Therefore, this variant has been classified as Likely Pathogenic.

NM_000553.6(WRN):c.724+515A>G

Gene: WRN (WRN RecQ like helicase; plus strand). Cytogenetic location: 8p12.
Variant type: single nucleotide variant.
Coding change: c.724+515A>G on transcript NM_000553.6 (MANE Select); 515 bases into the intron after coding-DNA position 724, A replaced by G.
Molecular consequence: intron variant.
Genome position (GRCh38, 1-based): chr8:31,068,842, A>G. VCF-style: chr8-31068842-A-G. GRCh37 (hg19) VCF-style: chr8-30926358-A-G.
Identifiers: ClinVar variation 2081507 (VCV002081507.5), dbSNP rs191078968, ClinGen allele CA174849650.